The following is an entry in ClinVar:

ClinVar aggregate classification (germline): Likely pathogenic (1 of 4 stars; one submission).

Allele frequency attached by ClinVar (database versions not stated): gnomAD exomes below 0.00001; ExAC 0.00001.
gnomAD v4.1: 3 of 1,609,114 alleles (0.00019%); highest among the groups gnomAD compares: Non-Finnish European, 0.00026%; no homozygotes.

Submission:

Labcorp Genetics (formerly Invitae), Labcorp
Classification: Likely pathogenic. Last evaluated: 2023-10-06. Review status: criteria provided, single submitter. Criteria: Invitae Variant Classification Sherloc (09022015). Collection method: clinical testing. Allele origin: germline.
Comment: This sequence change affects a donor splice site in intron 5 of the FDXR gene. It is expected to disrupt RNA splicing. Variants that disrupt the donor or acceptor splice site typically lead to a loss of protein function (PMID: 16199547), and loss-of-function variants in FDXR are known to be pathogenic (PMID: 28965846, 29040572). This variant is present in population databases (rs767115077, gnomAD 0.0009%). This variant has not been reported in the literature in individuals affected with FDXR-related conditions. ClinVar contains an entry for this variant (Variation ID: 1491548). Algorithms developed to predict the effect of sequence changes on RNA splicing suggest that this variant may disrupt the consensus splice site. In summary, the currently available evidence indicates that the variant is pathogenic, but additional data are needed to prove that conclusively. Therefore, this variant has been classified as Likely Pathogenic.

Literature cited by the submitters: PubMed 16199547; PubMed 28965846; PubMed 29040572.

NM_024417.5(FDXR):c.507+1G>A

Gene: FDXR (ferredoxin reductase; minus strand). Cytogenetic location: 17q25.1.
Variant type: single nucleotide variant.
Coding change: c.507+1G>A on transcript NM_024417.5 (MANE Select); the canonical splice donor site of the intron after coding-DNA position 507, G replaced by A.
Molecular consequence: splice donor variant.
Genome position (GRCh38, 1-based): chr17:74,866,130, C>T on the plus strand (G>A on the coding strand, the complement: FDXR is on the minus strand). VCF-style: chr17-74866130-C-T. GRCh37 (hg19) VCF-style: chr17-72862252-C-T.
Other names: c.483+1G>A (NM_001258014.4); c.507+1G>A (NM_004110.6); c.387+1G>A (NM_001258015.3); c.636+1G>A (NM_001258012.4); c.600+1G>A (NM_001258013.4); c.351+1G>A (NM_001258016.3).
Identifiers: ClinVar variation 1491548 (VCV001491548.6), dbSNP rs767115077, ClinGen allele CA8753196.